The following is an entry in ClinVar:

NM_001171613.2(PREPL):c.595C>G (p.Pro199Ala)

Gene: PREPL (prolyl endopeptidase like; minus strand). Cytogenetic location: 2p21.
Variant type: single nucleotide variant.
Coding change: c.595C>G on transcript NM_001171613.2 (MANE Select); coding-DNA position 595, C replaced by G.
Protein change: p.Pro199Ala; replaces proline 199 with alanine.
Molecular consequence: missense variant.
Genome position (GRCh38, 1-based): chr2:44,339,254, G>C on the plus strand (C>G on the coding strand, the complement: PREPL is on the minus strand). VCF-style: chr2-44339254-G-C. GRCh37 (hg19) VCF-style: chr2-44566393-G-C.
Other names: c.862C>G, p.Pro288Ala (NM_001042385.2, NM_001042386.2, NM_001171603.1 and 4 more transcripts); c.595C>G, p.Pro199Ala (NM_001171617.1, NM_001374277.1); short protein forms P199A, P288A.
Identifiers: ClinVar variation 1989928 (VCV001989928.4), dbSNP rs2466236934, ClinGen allele CA346692067.

ClinVar aggregate classification (germline): Uncertain significance (1 of 4 stars; one submission).

Conditions:
Myasthenic syndrome, congenital, 22 (CMS22). Also called: PREPL DEFICIENCY. Identifiers: MedGen C4479088, MONDO:0044299, OMIM 616224.

Allele frequency attached by ClinVar (database versions not stated): gnomAD exomes below 0.00001.
gnomAD v4.1: 2 of 1,614,080 alleles (0.00012%); highest among the groups gnomAD compares: Non-Finnish European, 0.000085%; no homozygotes.

Submission:

Labcorp Genetics (formerly Invitae), Labcorp
Classification: Uncertain significance for Myasthenic syndrome, congenital, 22. Last evaluated: 2022-06-21. Review status: criteria provided, single submitter. Criteria: Invitae Variant Classification Sherloc (09022015). Collection method: clinical testing. Allele origin: germline.
Comment: In summary, the available evidence is currently insufficient to determine the role of this variant in disease. Therefore, it has been classified as a Variant of Uncertain Significance. Algorithms developed to predict the effect of missense changes on protein structure and function (SIFT, PolyPhen-2, Align-GVGD) all suggest that this variant is likely to be tolerated. This variant has not been reported in the literature in individuals affected with PREPL-related conditions. This variant is not present in population databases (gnomAD no frequency). This sequence change replaces proline, which is neutral and non-polar, with alanine, which is neutral and non-polar, at codon 288 of the PREPL protein (p.Pro288Ala).